The following is an entry in ClinVar:

NM_004612.4(TGFBR1):c.630C>G (p.Ser210Arg)

Gene: TGFBR1 (transforming growth factor beta receptor 1; plus strand). Cytogenetic location: 9q22.33.
Variant type: single nucleotide variant.
Coding change: c.630C>G on transcript NM_004612.4 (MANE Select); coding-DNA position 630, C replaced by G.
Protein change: p.Ser210Arg; replaces serine 210 with arginine.
Molecular consequence: missense variant.
Genome position (GRCh38, 1-based): chr9:99,137,914, C>G. VCF-style: chr9-99137914-C-G. GRCh37 (hg19) VCF-style: chr9-101900196-C-G.
Other names: c.399C>G, p.Ser133Arg (NM_001130916.3); c.642C>G, p.Ser214Arg (NM_001306210.2); short protein forms S133R, S210R, S214R.
Identifiers: ClinVar variation 1304390 (VCV001304390.2), dbSNP rs2118710827, ClinGen allele CA374229492.

ClinVar aggregate classification (germline): Uncertain significance (1 of 4 stars; one submission).

Submission:

GeneDx
Classification: Uncertain significance. Last evaluated: 2019-07-08. Review status: criteria provided, single submitter. Criteria: GeneDx Variant Classification Process June 2021. Collection method: clinical testing. Allele origin: germline. Affected: yes.
Comment: Has not been previously published as pathogenic or benign to our knowledge; In silico analysis, which includes protein predictors and evolutionary conservation, supports that this variant does not alter protein structure/function; Not observed in large population cohorts (Lek et al., 2016)